The following is an entry in ClinVar:

ClinVar aggregate classification (germline): Pathogenic/Likely pathogenic. Review status: criteria provided, multiple submitters, no conflicts (2 of 4 stars). 10 submissions from 10 submitters: Pathogenic (3); Likely pathogenic (6). 1 of the submissions does not count toward it. Last evaluated 2026-01-12.

Conditions:
Argininosuccinate lyase deficiency. Also called: ARGININOSUCCINIC ACID LYASE DEFICIENCY; ASL DEFICIENCY; Argininosuccinic aciduria. Identifiers: Orphanet 23, MedGen C0268547, MONDO:0008815, OMIM 207900, HP:0025630.

Allele frequency attached by ClinVar (database versions not stated): TOPMed below 0.00001; ExAC 0.00001; gnomAD 0.00001; gnomAD exomes 0.00001.
gnomAD v4.1: 18 of 1,614,118 alleles (0.0011%); highest among the groups gnomAD compares: South Asian, 0.0033%; no homozygotes.

Submissions (10):

Labcorp Genetics (formerly Invitae), Labcorp
Classification: Pathogenic for Argininosuccinate lyase deficiency. Last evaluated: 2026-01-12. Review status: criteria provided, single submitter. Criteria: Invitae Variant Classification Sherloc (09022015). Collection method: clinical testing. Allele origin: germline.
Comment: This sequence change replaces arginine, which is basic and polar, with glutamine, which is neutral and polar, at codon 236 of the ASL protein (p.Arg236Gln). This variant is present in population databases (rs764602422, gnomAD 0.003%). This missense change has been observed in individual(s) with argininosuccinate lyase deficiency (PMID: 24166829; internal data). ClinVar contains an entry for this variant (Variation ID: 555574). Invitae Evidence Modeling of protein sequence and biophysical properties (such as structural, functional, and spatial information, amino acid conservation, physicochemical variation, residue mobility, and thermodynamic stability) indicates that this missense variant is expected to disrupt ASL protein function with a positive predictive value of 95%. This variant disrupts the p.Arg236 amino acid residue in ASL. Other variant(s) that disrupt this residue have been determined to be pathogenic (PMID: 17326097, 19703900, 24166829). This suggests that this residue is clinically significant, and that variants that disrupt this residue are likely to be disease-causing. For these reasons, this variant has been classified as Pathogenic.

Natera, Inc.
Classification: Likely pathogenic for Argininosuccinate lyase deficiency. Last evaluated: 2025-12-25. Review status: criteria provided, single submitter. Criteria: Natera Variant Classification Schema (03/2026). Collection method: clinical testing. Allele origin: germline.
Comment: The c.707G>A variant in ASL is a missense variant predicted to cause substitution of arginine to glutamine at amino acid 236. This variant is rare in the general population with a frequency below the threshold expected for the associated phenotype(s). This variant has been observed in one or more individuals affected with the associated recessive disease, as either homozygous or compound heterozygous with a second variant (PMID: 31056765, 39309541, 39776112). A different variant at the same position has been determined to be Pathogenic or Likely Pathogenic. Computational prediction algorithms indicate this variant is likely to affect gene or protein function. Given the available evidence, this variant is classified as Likely Pathogenic.

Fulgent Genetics
Classification: Likely pathogenic for Argininosuccinate lyase deficiency. Last evaluated: 2024-05-29. Review status: criteria provided, single submitter. Criteria: ACMG Guidelines, 2015. Collection method: clinical testing. Allele origin: germline.

Baylor Genetics
Classification: Pathogenic for Argininosuccinate lyase deficiency. Last evaluated: 2024-03-22. Review status: criteria provided, single submitter. Criteria: ACMG Guidelines, 2015. Collection method: clinical testing. Allele origin: unknown.

GeneDx
Classification: Likely pathogenic. Last evaluated: 2023-08-31. Review status: criteria provided, single submitter. Criteria: GeneDx Variant Classification Process June 2021. Collection method: clinical testing. Allele origin: germline. Affected: yes.
Comment: Not observed at significant frequency in large population cohorts (gnomAD); In silico analysis supports that this missense variant has a deleterious effect on protein structure/function; This variant is associated with the following publications: (PMID: 24166829, 11698398, 19703900, 18677552, 17326097, 31056765, 21744316)

Myriad Genetics, Inc.
Classification: Likely pathogenic for Argininosuccinate lyase deficiency. Last evaluated: 2021-11-15. Review status: criteria provided, single submitter. Criteria: Myriad Women's Health Autosomal Recessive and X-Linked Classification Criteria (2021). Collection method: clinical testing. Allele origin: unknown.
Comment: NM_001024943.1(ASL):c.707G>A(R236Q) is a missense variant classified as likely pathogenic in the context of argininosuccinic aciduria. R236Q has been observed in cases with relevant disease (PMID: 31056765, 24166829, Boulos_2021_(no PMID; abstract)). Functional assessments of this variant are available in the literature (PMID: 11698398). R236Q has been observed in population frequency databases (gnomAD: SAS 0.003%). In summary, NM_001024943.1(ASL):c.707G>A(R236Q) is a missense variant that has been observed more frequently in cases with the relevant disease than in healthy populations. Please note: this variant was assessed in the context of healthy population screening.

Revvity Omics, Revvity
Classification: Likely pathogenic for Argininosuccinate lyase deficiency. Last evaluated: 2020-11-12. Review status: criteria provided, single submitter. Criteria: ACMG Guidelines, 2015. Collection method: clinical testing. Allele origin: germline.

Breakthrough Genomics
Classification: Likely pathogenic for Argininosuccinate lyase deficiency. Last evaluated: 2019-11-24. Review status: criteria provided, single submitter. Criteria: ACMG Guidelines, 2015. Collection method: clinical testing. Allele origin: germline. Affected: yes.
Comment: This variant was previously reported in a compound heterozygous state in late-onset ASLD patient [PMID: 24166829]. A molecular modeling data revealed that Arg236 is highly conserved residue, located within the active site of the enzyme, and crucial for substrate interaction. Variations affecting this Arg236 residue are likely to have a severe impact on the catalytic function of the protein [PMID: 17326097]

3billion
Classification: Pathogenic for Argininosuccinate lyase deficiency. Review status: criteria provided, single submitter. Criteria: ACMG Guidelines, 2015. Collection method: clinical testing. Allele origin: unknown. Affected: yes. Observed: 1 homozygote.
Comment: The variant is observed at an extremely low frequency in the gnomAD v2.1.1 dataset (total allele frequency: 0.001%). In silico tool predictions suggest damaging effect of the variant on gene or gene product (REVEL: 0.99; 3Cnet: 0.97). Same nucleotide change resulting in same amino acid change has been previously reported as pathogenic/likely pathogenic with strong evidence (ClinVar ID: VCV000555574 / PMID: 24166829). A different missense change at the same codon (p.Arg236Trp) has been reported as pathogenic/likely pathogenic with strong evidence (ClinVar ID: VCV000941054 / PMID: 17326097). Therefore, this variant is classified as Pathogenic according to the recommendation of ACMG/AMP guideline.

Zotz-Klimas Genetics Lab, MVZ Zotz Klimas
Classification: Likely pathogenic for Argininosuccinate lyase deficiency. Last evaluated: 2023-11-24. Review status: no assertion criteria provided. Collection method: clinical testing. Allele origin: germline. Affected: yes. Not counted in ClinVar's aggregate classification.

Literature cited by the submitters: PubMed 24166829 (cited by 3 submitters); PubMed 17326097 (cited by Labcorp Genetics (formerly Invitae), Labcorp and 3billion); PubMed 19703900 (cited by Labcorp Genetics (formerly Invitae), Labcorp); PubMed 31056765 (cited by Natera, Inc. and Myriad Genetics, Inc.); PubMed 39309541 (cited by Natera, Inc.); PubMed 39776112 (cited by Natera, Inc.); PubMed 11698398 (cited by Myriad Genetics, Inc.).

NM_000048.4(ASL):c.707G>A (p.Arg236Gln)

Gene: ASL (argininosuccinate lyase; plus strand). Cytogenetic location: 7q11.21.
Variant type: single nucleotide variant.
Coding change: c.707G>A on transcript NM_000048.4 (MANE Select); coding-DNA position 707, G replaced by A.
Protein change: p.Arg236Gln; replaces arginine 236 with glutamine.
Molecular consequence: missense variant.
Genome position (GRCh38, 1-based): chr7:66,087,780, G>A. VCF-style: chr7-66087780-G-A. GRCh37 (hg19) VCF-style: chr7-65552767-G-A.
Other names: p.Arg236Gln; c.707G>A, p.Arg236Gln (NM_001024943.2, NM_001024944.2); c.629G>A, p.Arg210Gln (NM_001024946.2); short protein forms R236Q, R210Q.
Identifiers: ClinVar variation 555574 (VCV000555574.31), dbSNP rs764602422, ClinGen allele CA4277101.